The following is an entry in ClinVar:

NM_001025603.2(RFX5):c.1298C>T (p.Thr433Ile)

Gene: RFX5 (regulatory factor X5; minus strand). Cytogenetic location: 1q21.3.
Variant type: single nucleotide variant.
Coding change: c.1298C>T on transcript NM_001025603.2 (MANE Select); coding-DNA position 1298, C replaced by T.
Protein change: p.Thr433Ile; replaces threonine 433 with isoleucine.
Molecular consequence: missense variant.
Genome position (GRCh38, 1-based): chr1:151,342,739, G>A on the plus strand (C>T on the coding strand, the complement: RFX5 is on the minus strand). VCF-style: chr1-151342739-G-A. GRCh37 (hg19) VCF-style: chr1-151315215-G-A.
Other names: c.1298C>T, p.Thr433Ile (NM_000449.4, NM_001379412.1, NM_001379413.1 and 5 more transcripts); c.1178C>T, p.Thr393Ile (NM_001379419.1, NM_001379420.1); short protein forms T433I, T393I.
Identifiers: ClinVar variation 954150 (VCV000954150.9), dbSNP rs946314298, ClinGen allele CA29558260.

ClinVar aggregate classification (germline): Uncertain significance. Review status: criteria provided, multiple submitters, no conflicts (2 of 4 stars). 2 submissions from 2 submitters: Uncertain significance (2). Last evaluated 2025-10-22.

Conditions:
MHC class II deficiency. Also called: Bare lymphocyte syndrome 2; BLS, TYPE II. Identifiers: Orphanet 572, MedGen C5447452, MONDO:0008855.

Allele frequency attached by ClinVar (database versions not stated): TOPMed below 0.00001; gnomAD 0.00001; gnomAD exomes 0.00001.

Submissions (2):

Labcorp Genetics (formerly Invitae), Labcorp
Classification: Uncertain significance for MHC class II deficiency. Last evaluated: 2025-10-22. Review status: criteria provided, single submitter. Criteria: Invitae Variant Classification Sherloc (09022015). Collection method: clinical testing. Allele origin: germline.
Comment: This sequence change replaces threonine, which is neutral and polar, with isoleucine, which is neutral and non-polar, at codon 433 of the RFX5 protein (p.Thr433Ile). This variant is present in population databases (no rsID available, gnomAD 0.002%). This variant has not been reported in the literature in individuals affected with RFX5-related conditions. ClinVar contains an entry for this variant (Variation ID: 954150). An algorithm developed to predict the effect of missense changes on protein structure and function (PolyPhen-2) suggests that this variant is likely to be disruptive. In summary, the available evidence is currently insufficient to determine the role of this variant in disease. Therefore, it has been classified as a Variant of Uncertain Significance.

Ambry Genetics
Classification: Uncertain significance. Last evaluated: 2024-08-27. Review status: criteria provided, single submitter. Criteria: Ambry Variant Classification Scheme 2023. Collection method: clinical testing. Allele origin: germline.